The following is an entry in ClinVar:

NM_007294.4(BRCA1):c.1908T>A (p.Cys636Ter)

Gene: BRCA1 (BRCA1 DNA repair associated; minus strand). Cytogenetic location: 17q21.31.
Variant type: single nucleotide variant.
Coding change: c.1908T>A on transcript NM_007294.4 (MANE Select); coding-DNA position 1908, T replaced by A.
Protein change: p.Cys636Ter; replaces cysteine 636 with a stop codon.
Molecular consequence: nonsense. On other transcripts: intron variant (137).
Genome position (GRCh38, 1-based): chr17:43,093,623, A>T on the plus strand (T>A on the coding strand, the complement: BRCA1 is on the minus strand). VCF-style: chr17-43093623-A-T. GRCh37 (hg19) VCF-style: chr17-41245640-A-T.
Other names: c.1764T>A, p.Cys588Ter (NM_001407747.1, NM_001407748.1, NM_001407749.1 and 20 more transcripts); c.1767T>A, p.Cys589Ter (NM_001407750.1, NM_001407751.1, NM_001407752.1 and 29 more transcripts); c.1782T>A, p.Cys594Ter (NM_001407649.1, NM_001407685.1, NM_001407686.1 and 11 more transcripts); c.1830T>A, p.Cys610Ter (NM_001407656.1, NM_001407655.1, NM_001407657.1 and 4 more transcripts); c.1908T>A, p.Cys636Ter (NM_001407652.1, NM_001407854.1, NM_001407858.1 and 30 more transcripts); c.1905T>A, p.Cys635Ter (NM_001407860.1, NM_001407610.1, NM_001407611.1 and 22 more transcripts); c.1698T>A, p.Cys566Ter (NM_001407885.1, NM_001407886.1, NM_001407887.1 and 13 more transcripts); c.1695T>A, p.Cys565Ter (NM_001407853.1, NM_001407894.1, NM_001407895.1 and 9 more transcripts); and 40 more; short protein forms C340*, C468*, C524*, C568*, C588*, C594*, C595*, C633*.
Identifiers: ClinVar variation 4215072 (VCV004215072.1).
Genomic context (GRCh38, chr17:43,093,623, plus strand): 5'-GTTGTACTTTTTTTTCTTTATCTCTTCACTGCTAGAACAACTATCAATTTGCAATTCAGT[A>T]CAATTAGGTGGGCTTAGATTTCTACTGACTACTAGTTCAAGCGCATGAATATGCCTGGTA-3'

ClinVar aggregate classification (germline): Pathogenic (1 of 4 stars; one submission).

Conditions:
Hereditary cancer-predisposing syndrome. Also called: Neoplastic Syndromes, Hereditary; Tumor predisposition; Hereditary Cancer Syndrome; Hereditary neoplastic syndrome. Identifiers: Orphanet 140162, MedGen C0027672, MeSH D009386, MONDO:0015356.

Submission:

Ambry Genetics
Classification: Pathogenic for Hereditary cancer-predisposing syndrome. Last evaluated: 2025-07-11. Review status: criteria provided, single submitter. Criteria: Ambry Variant Classification Scheme 2023. Collection method: clinical testing. Allele origin: germline.
Comment: The p.C636* pathogenic mutation (also known as c.1908T>A), located in coding exon 9 of the BRCA1 gene, results from a T to A substitution at nucleotide position 1908. This changes the amino acid from a cysteine to a stop codon within coding exon 9. This variant is considered to be rare based on population cohorts in the Genome Aggregation Database (gnomAD). This alteration is expected to result in loss of function by premature protein truncation or nonsense-mediated mRNA decay. As such, this alteration is interpreted as a disease-causing mutation.